The following is an entry in ClinVar:

ClinVar aggregate classification (germline): Uncertain significance (1 of 4 stars; one submission).

Conditions:
PHIP-related disorder. Also called: PHIP-related condition; PHIP-related disorders.

gnomAD v4.1: 2 of 1,571,720 alleles (0.00013%); highest among the groups gnomAD compares: African/African-American, 0.0028%; no homozygotes.

Submission:

PreventionGenetics, part of Exact Sciences
Classification: Uncertain significance for PHIP-related condition. Last evaluated: 2025-05-17. Review status: criteria provided, single submitter. Criteria: ACMG Guidelines, 2015. Collection method: clinical testing. Allele origin: germline.
Comment: The PHIP c.2738A>C variant is predicted to result in the amino acid substitution p.Lys913Thr. To our knowledge, this variant has not been reported in the literature. This variant is reported in 0.0067% of alleles in individuals of African descent in gnomAD. At this time, the clinical significance of this variant is uncertain due to the absence of conclusive functional and genetic evidence.

NM_017934.7(PHIP):c.2738A>C (p.Lys913Thr)

Gene: PHIP (PHIP subunit of CUL4-Ring ligase complex; minus strand). Cytogenetic location: 6q14.1.
Variant type: single nucleotide variant.
Coding change: c.2738A>C on transcript NM_017934.7 (MANE Select); coding-DNA position 2738, A replaced by C.
Protein change: p.Lys913Thr; replaces lysine 913 with threonine.
Molecular consequence: missense variant.
Genome position (GRCh38, 1-based): chr6:78,982,917, T>G on the plus strand (A>C on the coding strand, the complement: PHIP is on the minus strand). VCF-style: chr6-78982917-T-G. GRCh37 (hg19) VCF-style: chr6-79692634-T-G.
Other names: short protein forms K913T.
Identifiers: ClinVar variation 4997579 (VCV004997579.1).